The following is an entry in ClinVar:

ClinVar aggregate classification (germline): Likely pathogenic (1 of 4 stars; one submission).

Conditions:
Charcot-Marie-Tooth disease axonal type 2V. Also called: CHARCOT-MARIE-TOOTH NEUROPATHY, TYPE 2V; CHARCOT-MARIE-TOOTH DISEASE, AXONAL, AUTOSOMAL DOMINANT, TYPE 2V. Identifiers: Orphanet 447964, MedGen C5569050, MONDO:0014665, OMIM 616491.
Mucopolysaccharidosis, MPS-III-B (MPS3B). Also called: N-ACETYL-ALPHA-D-GLUCOSAMINIDASE DEFICIENCY; NAGLU DEFICIENCY; SANFILIPPO SYNDROME B; MPS III B; Mucopolysaccharidosis type IIIB (Sanfilippo B); MUCOPOLYSACCHARIDOSIS, TYPE IIIB. Identifiers: Orphanet 79270, MedGen C0086648, MONDO:0009656, OMIM 252920.

Submission:

Labcorp Genetics (formerly Invitae), Labcorp
Classification: Likely pathogenic for Charcot-Marie-Tooth disease axonal type 2V; Mucopolysaccharidosis, MPS-III-B. Last evaluated: 2022-11-29. Review status: criteria provided, single submitter. Criteria: Invitae Variant Classification Sherloc (09022015). Collection method: clinical testing. Allele origin: germline.
Comment: In summary, the currently available evidence indicates that the variant is pathogenic, but additional data are needed to prove that conclusively. Therefore, this variant has been classified as Likely Pathogenic. Advanced modeling of protein sequence and biophysical properties (such as structural, functional, and spatial information, amino acid conservation, physicochemical variation, residue mobility, and thermodynamic stability) performed at Invitae indicates that this missense variant is expected to disrupt NAGLU protein function. This missense change has been observed in individual(s) with mucopolysaccharidosis type III (PMID: 29606097). This variant is not present in population databases (gnomAD no frequency). This sequence change replaces histidine, which is basic and polar, with glutamine, which is neutral and polar, at codon 408 of the NAGLU protein (p.His408Gln).

Literature cited by the submitters: PubMed 29606097.

NM_000263.4(NAGLU):c.1224C>A (p.His408Gln)

Gene: NAGLU (N-acetyl-alpha-glucosaminidase; plus strand). Cytogenetic location: 17q21.2.
Variant type: single nucleotide variant.
Coding change: c.1224C>A on transcript NM_000263.4 (MANE Select); coding-DNA position 1224, C replaced by A.
Protein change: p.His408Gln; replaces histidine 408 with glutamine.
Molecular consequence: missense variant.
Genome position (GRCh38, 1-based): chr17:42,543,230, C>A. VCF-style: chr17-42543230-C-A. GRCh37 (hg19) VCF-style: chr17-40695248-C-A.
Other names: short protein forms H408Q.
Identifiers: ClinVar variation 2927225 (VCV002927225.3), dbSNP rs780376108, ClinGen allele CA399601505.